The following is an entry in ClinVar:

NM_133433.4(NIPBL):c.2126_2128delinsCTCTCAA (p.Ser709fs)

Gene: NIPBL (NIPBL cohesin loading factor; plus strand). Cytogenetic location: 5p13.2.
Variant type: Indel.
Coding change: c.2126_2128delinsCTCTCAA on transcript NM_133433.4 (MANE Select); coding-DNA positions 2126 to 2128, GCC replaced by CTCTCAA.
Protein change: p.Ser709fs; shifts the reading frame from serine 709.
Molecular consequence: frameshift variant.
Genome position (GRCh38, 1-based): chr5:36,985,306-36,985,308, GCC replaced by CTCTCAA. VCF-style: chr5-36985306-GCC-CTCTCAA. GRCh37 (hg19) VCF-style: chr5-36985408-GCC-CTCTCAA.
Other names: c.2126_2128delinsCTCTCAA, p.Ser709fs (NM_015384.5); short protein forms S709fs.
Identifiers: ClinVar variation 931097 (VCV000931097.3), dbSNP rs1744639200, ClinGen allele CA1139655870.
Genomic context (GRCh38, chr5:36,985,306, plus strand): 5'-ATAATGGCAGATCAGAAACAACAAAATCAAGGCCTGAAACCCCAAAGCAAAAGGGTGAAA[GCC>CTCTCAA]GGCCTGAGACTCCAAAACAAAAGAGTGATGGGCATCCTGAAACCCCAAAACAGAAGGGTG-3'

ClinVar aggregate classification (germline): Pathogenic (1 of 4 stars; one submission).

Conditions:
Cornelia de Lange syndrome 1 (CDLS1). Also called: TYPUS DEGENERATIVUS AMSTELODAMENSIS; Brachmann de Lange syndrome; NIPBL-Related Cornelia de Lange Syndrome. Identifiers: Orphanet 199, MedGen C4551851, MONDO:0007387, OMIM 122470.

Submission:

Centre for Mendelian Genomics, University Medical Centre Ljubljana
Classification: Pathogenic for Cornelia de Lange syndrome 1. Last evaluated: 2019-04-10. Review status: criteria provided, single submitter. Criteria: ACMG Guidelines, 2015. Collection method: clinical testing. Allele origin: unknown. Affected: yes.
Comment: This variant was classified as: Pathogenic. The following ACMG criteria were applied in classifying this variant: PVS1,PM2.